The following is an entry in ClinVar:

ClinVar aggregate classification (germline): Uncertain significance. Review status: criteria provided, multiple submitters, no conflicts (2 of 4 stars). 2 submissions from 2 submitters: Uncertain significance (2). Last evaluated 2025-10-18.

Conditions:
Hereditary cancer-predisposing syndrome. Also called: Neoplastic Syndromes, Hereditary; Tumor predisposition; Hereditary Cancer Syndrome; Hereditary neoplastic syndrome. Identifiers: Orphanet 140162, MedGen C0027672, MeSH D009386, MONDO:0015356.
Pheochromocytoma. Also called: MAX-Related Hereditary Paraganglioma-Pheochromocytoma Syndrome. Identifiers: Orphanet 29072, MedGen C0031511, MONDO:0008233, OMIM 171300, HP:0002666.
Pheochromocytoma/paraganglioma syndrome 4. Also called: CAROTID BODY TUMORS AND MULTIPLE EXTRAADRENAL PHEOCHROMOCYTOMAS; PARAGANGLIOMA, FAMILIAL MALIGNANT; PARAGANGLIOMAS, HEREDITARY EXTRAADRENAL; PHEOCHROMOCYTOMA, FAMILIAL EXTRAADRENAL; Paragangliomas 4; SDHB-Related Hereditary Paraganglioma-Pheochromocytoma Syndrome (Paragangliomas 4). Identifiers: Orphanet 29072, MedGen C1861848, MONDO:0007273, OMIM 115310.
Gastrointestinal stromal tumor. Also called: Gastrointestinal stromal tumor, somatic; Gastrointestinal stroma tumor. Identifiers: Orphanet 44890, MedGen C0238198, MeSH D046152, MONDO:0011719, OMIM 606764, HP:0100723.

Submissions (2):

Labcorp Genetics (formerly Invitae), Labcorp
Classification: Uncertain significance for Gastrointestinal stromal tumor; Pheochromocytoma/paraganglioma syndrome 4; Pheochromocytoma. Last evaluated: 2025-10-18. Review status: criteria provided, single submitter. Criteria: Invitae Variant Classification Sherloc (09022015). Collection method: clinical testing. Allele origin: germline.
Comment: This sequence change replaces glutamic acid, which is acidic and polar, with lysine, which is basic and polar, at codon 162 of the SDHB protein (p.Glu162Lys). This variant is not present in population databases (gnomAD no frequency). This variant has not been reported in the literature in individuals affected with SDHB-related conditions. ClinVar contains an entry for this variant (Variation ID: 3438771). Invitae Evidence Modeling of protein sequence and biophysical properties (such as structural, functional, and spatial information, amino acid conservation, physicochemical variation, residue mobility, and thermodynamic stability) indicates that this missense variant is not expected to disrupt SDHB protein function with a negative predictive value of 80%. In summary, the available evidence is currently insufficient to determine the role of this variant in disease. Therefore, it has been classified as a Variant of Uncertain Significance.

Ambry Genetics
Classification: Uncertain significance for Hereditary cancer-predisposing syndrome. Last evaluated: 2024-11-15. Review status: criteria provided, single submitter. Criteria: Ambry Variant Classification Scheme 2023. Collection method: clinical testing. Allele origin: germline.
Comment: The p.E162K variant (also known as c.484G>A), located in coding exon 5 of the SDHB gene, results from a G to A substitution at nucleotide position 484. The glutamic acid at codon 162 is replaced by lysine, an amino acid with similar properties. This amino acid position is conserved. In addition, the in silico prediction for this alteration is inconclusive. Based on the available evidence, the clinical significance of this variant remains unclear.

NM_003000.3(SDHB):c.484G>A (p.Glu162Lys)

Gene: SDHB (succinate dehydrogenase complex iron sulfur subunit B; minus strand). Cytogenetic location: 1p36.13.
Variant type: single nucleotide variant.
Coding change: c.484G>A on transcript NM_003000.3 (MANE Select); coding-DNA position 484, G replaced by A.
Protein change: p.Glu162Lys; replaces glutamic acid 162 with lysine.
Molecular consequence: missense variant.
Genome position (GRCh38, 1-based): chr1:17,027,805, C>T on the plus strand (G>A on the coding strand, the complement: SDHB is on the minus strand). VCF-style: chr1-17027805-C-T. GRCh37 (hg19) VCF-style: chr1-17354300-C-T.
Other names: c.430G>A, p.Glu144Lys (NM_001407361.1); short protein forms E144K, E162K.
Identifiers: ClinVar variation 3438771 (VCV003438771.2).
Genomic context (GRCh38, chr1:17,027,805, plus strand): 5'-TGACCAGTTTCTCACGCTCTTCTATGGACTGCAGATACTGCTGCTTGCCTTCCTGAGATT[C>T]ATCCTTCTTCTTCAAATAAGGCTCAATGGATTTGTACTGTGCATAGAAGTTGCTCAAATC-3'
Protein context (NP_002991.2, residues 152-172): SIEPYLKKKD[Glu162Lys]SQEGKQQYLQ